The following is an entry in ClinVar:

NM_024747.6(HPS6):c.1556del (p.Gly519fs)

Gene: HPS6 (HPS6 biogenesis of lysosomal organelles complex 2 subunit 3; plus strand). Cytogenetic location: 10q24.32.
Variant type: Deletion.
Coding change: c.1556del on transcript NM_024747.6 (MANE Select); coding-DNA position 1556, one base deleted (G; older notation c.1556delG).
Protein change: p.Gly519fs; shifts the reading frame from glycine 519.
Molecular consequence: frameshift variant.
Genome position (GRCh38, 1-based): chr10:102,067,030, G deleted; the last of 4 consecutive G bases (chr10:102,067,027-102,067,030); deleting any one gives the same sequence. VCF-style (leftmost placement, unchanged base first): chr10-102067026-TG-T. GRCh37 (hg19) VCF-style: chr10-103826783-TG-T.
Other names: short protein forms G519fs.
Identifiers: ClinVar variation 1704598 (VCV001704598.1), dbSNP rs2540988146, ClinGen allele CA2580081159.
Genomic context (GRCh38, chr10:102,067,026, plus strand): 5'-TTGATAGGAGACCAGCTAGCCCAGCTCAACACCGTTTTCCAAGCCCTTCCTACAGCAGCC[TG>T]GGGTGCCACCCTCAGGGCCCTGCAGCTCCAGCTAGATGGGAATGGCAAGCTGAGGTCCCA-3'

ClinVar aggregate classification (germline): Likely pathogenic (1 of 4 stars; one submission).

Conditions:
Hermansky-Pudlak syndrome (HPS). Also called: ALBINISM WITH HEMORRHAGIC DIATHESIS AND PIGMENTED RETICULOENDOTHELIAL CELLS. Identifiers: Orphanet 79430, MedGen C0079504, MONDO:0019312.

Submission:

Women's Health and Genetics/Laboratory Corporation of America, LabCorp
Classification: Likely pathogenic for Hermansky-Pudlak syndrome. Last evaluated: 2022-07-15. Review status: criteria provided, single submitter. Criteria: LabCorp Variant Classification Summary - May 2015. Collection method: clinical testing. Allele origin: germline.
Comment: Variant summary: HPS6 c.1556delG (p.Gly519ValfsX11) results in a premature termination codon, predicted to cause a truncation of the encoded protein or absence of the protein due to nonsense mediated decay, which are commonly known mechanisms for disease. Truncations downstream of this position have been cited in ClinVar and HGMD as pathogenic and disease-associated. The variant was absent in 251368 control chromosomes (gnomAD). To our knowledge, no occurrence of c.1556delG in individuals affected with Hermansky-Pudlak Syndrome and no experimental evidence demonstrating its impact on protein function have been reported. No clinical diagnostic laboratories have submitted clinical-significance assessments for this variant to ClinVar after 2014. Based on the evidence outlined above, the variant was classified as likely pathogenic.